The following is an entry in ClinVar:

ClinVar aggregate classification (germline): Conflicting classifications of pathogenicity. Review status: criteria provided, conflicting classifications (1 of 4 stars). 10 submissions from 9 submitters: Uncertain significance (8); Likely benign (1). 1 of the submissions does not count toward it. Last evaluated 2026-07-16.

Conditions:
Inborn genetic diseases. Identifiers: MedGen C0950123, MeSH D030342.
Nephronophthisis. Also called: Juvenile Nephronophthisis. Identifiers: Orphanet 655, MedGen C0687120, MONDO:0019005, HP:0000090.
Senior-Loken syndrome 4 (SLSN4). Identifiers: Orphanet 3156, MedGen C1846979, MONDO:0011756, OMIM 606996.
Nephronophthisis 4 (NPHP4). Also called: NEPHRONOPHTHISIS 4, JUVENILE. Identifiers: Orphanet 655, MedGen C1847013, MONDO:0011752, OMIM 606966.
NPHP4-related disorder. Also called: NPHP4-related disorders; NPHP4-related condition. Identifiers: MedGen CN239384.

Allele frequency attached by ClinVar (database versions not stated): ExAC 0.00012; gnomAD exomes 0.00013; gnomAD 0.00014 and 0.00015; TOPMed 0.00014; ESP Exome Variant Server 0.00016.
gnomAD v4.1: 271 of 1,601,568 alleles (0.017%); highest among the groups gnomAD compares: Non-Finnish European, 0.019%; no homozygotes.

Submissions (10):

PreventionGenetics, part of Exact Sciences
Classification: Uncertain significance for NPHP4-related condition. Last evaluated: 2026-07-16. Review status: criteria provided, single submitter. Criteria: ACMG Guidelines, 2015. Collection method: clinical testing. Allele origin: germline.
Comment: The NPHP4 c.1445C>T variant is predicted to result in the amino acid substitution p.Pro482Leu. This variant was reported with a second NPHP4 variant in an individual with focal segmental glomerulosclerosis (Table S4, Wang et al. 2019. PubMed ID: 31308072). This variant is reported in 0.022% of alleles in individuals of European (non-Finnish) descent in gnomAD. At this time, the clinical significance of this variant is uncertain due to the absence of conclusive functional and genetic evidence.

Blueprint Genetics
Classification: Uncertain significance. Last evaluated: 2024-11-20. Review status: criteria provided, single submitter. Criteria: ACMG Guidelines, 2015. Collection method: clinical testing. Allele origin: germline.

Fulgent Genetics
Classification: Uncertain significance for Nephronophthisis 4; Senior-Loken syndrome 4. Last evaluated: 2024-06-14. Review status: criteria provided, single submitter. Criteria: ACMG Guidelines, 2015. Collection method: clinical testing. Allele origin: germline.

Labcorp Genetics (formerly Invitae), Labcorp
Classification: Uncertain significance for Nephronophthisis. Last evaluated: 2023-12-25. Review status: criteria provided, single submitter. Criteria: Invitae Variant Classification Sherloc (09022015). Collection method: clinical testing. Allele origin: germline.
Comment: This sequence change replaces proline, which is neutral and non-polar, with leucine, which is neutral and non-polar, at codon 482 of the NPHP4 protein (p.Pro482Leu). This variant is present in population databases (rs372565083, gnomAD 0.02%). This variant has not been reported in the literature in individuals affected with NPHP4-related conditions. ClinVar contains an entry for this variant (Variation ID: 284999). Advanced modeling of protein sequence and biophysical properties (such as structural, functional, and spatial information, amino acid conservation, physicochemical variation, residue mobility, and thermodynamic stability) performed at Invitae indicates that this missense variant is not expected to disrupt NPHP4 protein function with a negative predictive value of 80%. In summary, the available evidence is currently insufficient to determine the role of this variant in disease. Therefore, it has been classified as a Variant of Uncertain Significance.

Department of Pathology and Laboratory Medicine, Sinai Health System
Classification: Uncertain significance for Nephronophthisis 4; Senior-Loken syndrome 4. Last evaluated: 2021-07-30. Review status: criteria provided, single submitter. Criteria: ACMG Guidelines, 2015. Collection method: research. Allele origin: germline.

Ambry Genetics
Classification: Likely benign for Inborn genetic diseases. Last evaluated: 2021-07-09. Review status: criteria provided, single submitter. Criteria: Ambry Variant Classification Scheme 2023. Collection method: clinical testing. Allele origin: germline.

Illumina Laboratory Services, Illumina
Classification: Uncertain significance for Nephronophthisis 4. Last evaluated: 2018-01-13. Review status: criteria provided, single submitter. Criteria: ICSL Variant Classification Criteria 13 December 2019. Collection method: clinical testing. Allele origin: germline.

Illumina Laboratory Services, Illumina
Classification: Uncertain significance for Senior-Loken syndrome 4. Last evaluated: 2018-01-13. Review status: criteria provided, single submitter. Criteria: ICSL Variant Classification Criteria 13 December 2019. Collection method: clinical testing. Allele origin: germline.

Eurofins Ntd Llc (ga)
Classification: Uncertain significance. Last evaluated: 2015-11-30. Review status: criteria provided, single submitter. Criteria: EGL Classification Definitions 2015. Collection method: clinical testing. Allele origin: germline. Observed: 1 variant allele, 1 heterozygote.

Genetic Services Laboratory, University of Chicago
Classification: Uncertain significance. Last evaluated: 2022-08-08. Review status: no assertion criteria provided. Collection method: clinical testing. Allele origin: germline. Affected: no. Not counted in ClinVar's aggregate classification.
Comment: DNA sequence analysis of the NPHP4 gene demonstrated a sequence change, c.1445C>T, in exon 12 that results in an amino acid change, p.Pro482Leu. This sequence change has been described in the gnomAD database with a frequency of 0.022% in the non-Finnish European subpopulation (dbSNP rs372565083). The p.Pro482Leu change affects a poorly conserved amino acid residue located in a domain of the NPHP4 protein that is not known to be functional. The p.Pro482Leu substitution appears to be benign using several in-silico pathogenicity prediction tools (SIFT, PolyPhen2, Align GVGD, REVEL). This sequence change does not appear to have been previously described in individuals with NPHP4-related disorders. Due to insufficient evidences and the lack of functional studies, the clinical significance of the p.Pro482Leu change remains unknown at this time.

NM_015102.5(NPHP4):c.1445C>T (p.Pro482Leu)

Gene: NPHP4 (nephrocystin 4; minus strand). Cytogenetic location: 1p36.31.
Variant type: single nucleotide variant.
Coding change: c.1445C>T on transcript NM_015102.5 (MANE Select); coding-DNA position 1445, C replaced by T.
Protein change: p.Pro482Leu; replaces proline 482 with leucine.
Molecular consequence: missense variant. On other transcripts: non-coding transcript variant (1), intron variant (2).
Genome position (GRCh38, 1-based): chr1:5,909,210, G>A on the plus strand (C>T on the coding strand, the complement: NPHP4 is on the minus strand). VCF-style: chr1-5909210-G-A. GRCh37 (hg19) VCF-style: chr1-5969270-G-A.
Other names: c.76-3427C>T (NM_001291594.2); c.76-3430C>T (NM_001291593.2); short protein forms P482L.
Identifiers: ClinVar variation 284999 (VCV000284999.23), dbSNP rs372565083, ClinGen allele CA554499.